The following is an entry in ClinVar:

ClinVar aggregate classification (germline): Uncertain significance (1 of 4 stars; one submission).

Conditions:
EGFR-related lung cancer (EGFR). Identifiers: MedGen CN130014.

Submission:

Labcorp Genetics (formerly Invitae), Labcorp
Classification: Uncertain significance for EGFR-related lung cancer. Last evaluated: 2022-04-20. Review status: criteria provided, single submitter. Criteria: Invitae Variant Classification Sherloc (09022015). Collection method: clinical testing. Allele origin: germline.
Comment: This variant results in a copy number gain of the genomic region encompassing exon(s) 4-28 of the EGFR gene. This region includes the termination codon of the gene. This copy number gain extends beyond the assayed region for this gene and therefore may encompass additional genes. As the precise location of this event is unknown, it may be in tandem or it may be located elsewhere in the genome. This variant has not been reported in the literature in individuals affected with EGFR-related conditions. Experimental studies and prediction algorithms are not available or were not evaluated, and the functional significance of this variant is currently unknown. In summary, the available evidence is currently insufficient to determine the role of this variant in disease. Therefore, it has been classified as a Variant of Uncertain Significance.

NC_000007.13:g.(?_55214289)_(55273310_?)dup

Gene: EGFR (epidermal growth factor receptor; plus strand). Cytogenetic location: 7p11.2.
Variant type: Duplication.
Identifiers: ClinVar variation 2425324 (VCV002425324.4).